The following is an entry in ClinVar:

ClinVar aggregate classification (germline): Likely benign (1 of 4 stars; one submission).

gnomAD v4.1: 38 of 1,613,924 alleles (0.0024%); highest among the groups gnomAD compares: Middle Eastern, 0.016%; no homozygotes.

Submission:

CeGaT Center for Human Genetics Tuebingen
Classification: Likely benign. Last evaluated: 2025-03-01. Review status: criteria provided, single submitter. Criteria: CeGaT Center For Human Genetics Tuebingen Variant Classification Criteria Version 2. Collection method: clinical testing. Allele origin: germline. Affected: yes. Observed: 1 variant allele.
Comment: ZBTB11: BP4, BP7

NM_014415.4(ZBTB11):c.1899G>A (p.Thr633=)

Gene: ZBTB11 (zinc finger and BTB domain containing 11; minus strand). Cytogenetic location: 3q12.3.
Variant type: single nucleotide variant.
Coding change: c.1899G>A on transcript NM_014415.4 (MANE Select); coding-DNA position 1899, G replaced by A.
Protein change: p.Thr633=; no amino-acid change (threonine 633 retained).
Molecular consequence: synonymous variant.
Genome position (GRCh38, 1-based): chr3:101,659,930, C>T on the plus strand (G>A on the coding strand, the complement: ZBTB11 is on the minus strand). VCF-style: chr3-101659930-C-T. GRCh37 (hg19) VCF-style: chr3-101378774-C-T.
Identifiers: ClinVar variation 3777957 (VCV003777957.7).